The following is an entry in ClinVar:

ClinVar aggregate classification (germline): Uncertain significance (1 of 4 stars; one submission).

Submission:

Labcorp Genetics (formerly Invitae), Labcorp
Classification: Uncertain significance. Last evaluated: 2022-07-16. Review status: criteria provided, single submitter. Criteria: Invitae Variant Classification Sherloc (09022015). Collection method: clinical testing. Allele origin: germline.
Comment: This sequence change replaces alanine, which is neutral and non-polar, with glutamic acid, which is acidic and polar, at codon 494 of the FH protein (p.Ala494Glu). This variant is not present in population databases (gnomAD no frequency). This variant has not been reported in the literature in individuals affected with FH-related conditions. Advanced modeling of protein sequence and biophysical properties (such as structural, functional, and spatial information, amino acid conservation, physicochemical variation, residue mobility, and thermodynamic stability) performed at Invitae indicates that this missense variant is not expected to disrupt FH protein function. In summary, the available evidence is currently insufficient to determine the role of this variant in disease. Therefore, it has been classified as a Variant of Uncertain Significance.

NM_000143.4(FH):c.1481C>A (p.Ala494Glu)

Gene: FH (fumarate hydratase; minus strand). Cytogenetic location: 1q43.
Variant type: single nucleotide variant.
Coding change: c.1481C>A on transcript NM_000143.4 (MANE Select); coding-DNA position 1481, C replaced by A.
Protein change: p.Ala494Glu; replaces alanine 494 with glutamic acid.
Molecular consequence: missense variant.
Genome position (GRCh38, 1-based): chr1:241,497,880, G>T on the plus strand (C>A on the coding strand, the complement: FH is on the minus strand). VCF-style: chr1-241497880-G-T. GRCh37 (hg19) VCF-style: chr1-241661180-G-T.
Other names: short protein forms A494E.
Identifiers: ClinVar variation 1982486 (VCV001982486.4), dbSNP rs752369363, ClinGen allele CA345450424.